The following is an entry in ClinVar:

ClinVar aggregate classification (germline): Benign. Review status: criteria provided, multiple submitters, no conflicts (2 of 4 stars). 3 submissions from 2 submitters: Benign (3). Last evaluated 2018-01-13.

Conditions:
Amyotrophic lateral sclerosis type 4 (ALS4). Also called: AMYOTROPHIC LATERAL SCLEROSIS 4, JUVENILE; NEURONOPATHY, DISTAL HEREDITARY MOTOR, WITH PYRAMIDAL FEATURES. Identifiers: Orphanet 357043, MedGen C1865409, MONDO:0011223, OMIM 602433.
Spinocerebellar ataxia, autosomal recessive, with axonal neuropathy 2 (SCAN2). Also called: ATAXIA-OCULOMOTOR APRAXIA 2; Ataxia-ocular apraxia-2; Ataxia with Oculomotor Apraxia; Ataxia with Oculomotor Apraxia Type 2. Identifiers: Orphanet 64753, MedGen C1853761, MONDO:0018996, OMIM 606002.

Allele frequency attached by ClinVar (database versions not stated): gnomAD exomes 0.07707; gnomAD 0.16247 and 0.16430; TOPMed 0.16889; 1000 Genomes Project 30x 0.17520; 1000 Genomes Project 0.17851.
gnomAD v4.1: 24,968 of 152,542 alleles (16%); highest among the groups gnomAD compares: East Asian, 29%; 2,109 homozygotes.

Submissions (3):

Illumina Laboratory Services, Illumina
Classification: Benign for Amyotrophic lateral sclerosis type 4. Last evaluated: 2018-01-13. Review status: criteria provided, single submitter. Criteria: ICSL Variant Classification Criteria 13 December 2019. Collection method: clinical testing. Allele origin: germline.
Comment: This variant was observed in the ICSL laboratory as part of a predisposition screen in an ostensibly healthy population. It had not been previously curated by ICSL or reported in the Human Gene Mutation Database (HGMD: prior to June 1st, 2018), and was therefore a candidate for classification through an automated scoring system. Utilizing variant allele frequency, disease prevalence and penetrance estimates, and inheritance mode, an automated score was calculated to assess if this variant is too frequent to cause the disease. Based on the score and internal cut-off values, a variant classified as benign is not then subjected to further curation. The score for this variant resulted in a classification of benign for this disease.

Illumina Laboratory Services, Illumina
Classification: Benign for Spinocerebellar ataxia, autosomal recessive, with axonal neuropathy 2. Last evaluated: 2018-01-13. Review status: criteria provided, single submitter. Criteria: ICSL Variant Classification Criteria 13 December 2019. Collection method: clinical testing. Allele origin: germline.
Comment: the same text as in the submission from Illumina Laboratory Services, Illumina above.

Breakthrough Genomics
Classification: Benign. Review status: criteria provided, single submitter. Criteria: ACMG Guidelines, 2015. Collection method: not provided. Allele origin: germline. Inheritance: Autosomal recessive inheritance. Affected: yes.

NM_015046.7(SETX):c.*626C>T

Gene: SETX (senataxin; minus strand). Cytogenetic location: 9q34.13.
Variant type: single nucleotide variant.
Coding change: c.*626C>T on transcript NM_015046.7 (MANE Select); 626 bases downstream of the stop codon, C replaced by T.
Molecular consequence: 3 prime UTR variant.
Genome position (GRCh38, 1-based): chr9:132,263,613, G>A on the plus strand (C>T on the coding strand, the complement: SETX is on the minus strand). VCF-style: chr9-132263613-G-A. GRCh37 (hg19) VCF-style: chr9-135139000-G-A.
Other names: c.*626C>T (NM_001351527.2, NM_001351528.2).
Identifiers: ClinVar variation 365328 (VCV000365328.6), dbSNP rs11795382, ClinGen allele CA10632587.